The following is an entry in ClinVar:

NM_001005361.3(DNM2):c.642C>T (p.Thr214=)

Gene: DNM2 (dynamin 2; plus strand). Cytogenetic location: 19p13.2.
Variant type: single nucleotide variant.
Coding change: c.642C>T on transcript NM_001005361.3 (MANE Select); coding-DNA position 642, C replaced by T.
Protein change: p.Thr214=; no amino-acid change (threonine 214 retained).
Molecular consequence: synonymous variant.
Genome position (GRCh38, 1-based): chr19:10,777,170, C>T. VCF-style: chr19-10777170-C-T. GRCh37 (hg19) VCF-style: chr19-10887846-C-T.
Other names: p.Thr214=; c.642C>T (NM_001005360.2); c.642C>T, p.Thr214= (NM_001005360.3, NM_001005362.3, NM_001190716.2 and 1 more transcripts).
Identifiers: ClinVar variation 1133060 (VCV001133060.10), dbSNP rs752944817, ClinGen allele CA9200847.
Genomic context (GRCh38, chr19:10,777,170, plus strand): 5'-TCTTTCAGGCCTACGGACCATCGGTGTCATCACCAAGCTTGACCTGATGGACGAGGGCAC[C>T]GACGCCAGGGACGTCTTGGAGAACAAGTTGCTCCCGTTGAGAAGAGGTGTGGCTTTGGGG-3'
Protein context (NP_001005361.1, residues 204-224): ITKLDLMDEG[Thr214=]DARDVLENKL

ClinVar aggregate classification (germline): Likely benign. Review status: criteria provided, multiple submitters, no conflicts (2 of 4 stars). 2 submissions from 2 submitters: Likely benign (2). Last evaluated 2025-12-05.

Conditions:
Charcot-Marie-Tooth disease dominant intermediate B (CMTDIB). Also called: Charcot-Marie-Tooth disease dominant intermediate 1; CMT DI1; Charcot-Marie-Tooth disease dominant intermediate I; CHARCOT-MARIE-TOOTH NEUROPATHY, DOMINANT INTERMEDIATE B. Identifiers: Orphanet 100044, Orphanet 228179, MedGen C1847902, MONDO:0011674, OMIM 606482.

Allele frequency attached by ClinVar (database versions not stated): gnomAD exomes below 0.00001; ExAC 0.00001; gnomAD 0.00001; TOPMed 0.00002.
gnomAD v4.1: 10 of 1,614,042 alleles (0.00062%); highest among the groups gnomAD compares: East Asian, 0.0022%; no homozygotes.

Submissions (2):

Mayo Clinic Laboratories, Mayo Clinic
Classification: Likely benign. Last evaluated: 2025-12-05. Review status: criteria provided, single submitter. Criteria: ACMG Guidelines, 2015. Collection method: clinical testing. Allele origin: germline. Observed: 1 variant allele.
Comment: BP4, BP7

Labcorp Genetics (formerly Invitae), Labcorp
Classification: Likely benign for Charcot-Marie-Tooth disease dominant intermediate B. Last evaluated: 2025-10-26. Review status: criteria provided, single submitter. Criteria: Invitae Variant Classification Sherloc (09022015). Collection method: clinical testing. Allele origin: germline.